The following is an entry in ClinVar:

NM_001844.5(COL2A1):c.2534C>T (p.Pro845Leu)

Gene: COL2A1 (collagen type II alpha 1 chain; minus strand). Cytogenetic location: 12q13.11.
Variant type: single nucleotide variant.
Coding change: c.2534C>T on transcript NM_001844.5 (MANE Select); coding-DNA position 2534, C replaced by T.
Protein change: p.Pro845Leu; replaces proline 845 with leucine.
Molecular consequence: missense variant.
Genome position (GRCh38, 1-based): chr12:47,980,645, G>A on the plus strand (C>T on the coding strand, the complement: COL2A1 is on the minus strand). VCF-style: chr12-47980645-G-A. GRCh37 (hg19) VCF-style: chr12-48374428-G-A.
Other names: c.2327C>T, p.Pro776Leu (NM_033150.3); short protein forms P776L, P845L.
Identifiers: ClinVar variation 3657303 (VCV003657303.2).
Genomic context (GRCh38, chr12:47,980,645, plus strand): 5'-GGACCAGGGGCACCAGCATCGCCTTTCTGGCCGGCCTCTCCTTGCTCACCCTTGGCCCCA[G>A]GCTGGCCATCAGCACCCTATAATGGGAAGGAGGAAGCAGGTGAATGAGGGGCAGGCTAAA-3'
Protein context (NP_001835.3, residues 835-855): FAGPPGADGQ[Pro845Leu]GAKGEQGEAG

ClinVar aggregate classification (germline): Uncertain significance (1 of 4 stars; one submission).

Submission:

Labcorp Genetics (formerly Invitae), Labcorp
Classification: Uncertain significance. Last evaluated: 2025-04-17. Review status: criteria provided, single submitter. Criteria: Invitae Variant Classification Sherloc (09022015). Collection method: clinical testing. Allele origin: germline.
Comment: This sequence change replaces proline, which is neutral and non-polar, with leucine, which is neutral and non-polar, at codon 845 of the COL2A1 protein (p.Pro845Leu). This variant is not present in population databases (gnomAD no frequency). This variant has not been reported in the literature in individuals affected with COL2A1-related conditions. ClinVar contains an entry for this variant (Variation ID: 3657303). Invitae Evidence Modeling of protein sequence and biophysical properties (such as structural, functional, and spatial information, amino acid conservation, physicochemical variation, residue mobility, and thermodynamic stability) indicates that this missense variant is expected to disrupt COL2A1 protein function with a positive predictive value of 95%. In summary, the available evidence is currently insufficient to determine the role of this variant in disease. Therefore, it has been classified as a Variant of Uncertain Significance.